The following is an entry in ClinVar:

ClinVar aggregate classification (germline): Uncertain significance (1 of 4 stars; one submission).

gnomAD v4.1: 1 of 1,600,598 alleles (0.000062%); highest among the groups gnomAD compares: Non-Finnish European, 0.000085%; no homozygotes.

Submission:

Labcorp Genetics (formerly Invitae), Labcorp
Classification: Uncertain significance. Last evaluated: 2025-08-25. Review status: criteria provided, single submitter. Criteria: Invitae Variant Classification Sherloc (09022015). Collection method: clinical testing. Allele origin: germline.
Comment: This sequence change replaces serine, which is neutral and polar, with arginine, which is basic and polar, at codon 483 of the DLL1 protein (p.Ser483Arg). This variant is not present in population databases (gnomAD no frequency). This variant has not been reported in the literature in individuals affected with DLL1-related conditions. An algorithm developed to predict the effect of missense changes on protein structure and function outputs the following: PolyPhen-2: "Benign". The arginine amino acid residue is found in multiple mammalian species, which suggests that this missense change does not adversely affect protein function. In summary, the available evidence is currently insufficient to determine the role of this variant in disease. Therefore, it has been classified as a Variant of Uncertain Significance.

NM_005618.4(DLL1):c.1449C>G (p.Ser483Arg)

Gene: DLL1 (delta like canonical Notch ligand 1; minus strand). Cytogenetic location: 6q27.
Variant type: single nucleotide variant.
Coding change: c.1449C>G on transcript NM_005618.4 (MANE Select); coding-DNA position 1449, C replaced by G.
Protein change: p.Ser483Arg; replaces serine 483 with arginine.
Molecular consequence: missense variant.
Genome position (GRCh38, 1-based): chr6:170,283,830, G>C on the plus strand (C>G on the coding strand, the complement: DLL1 is on the minus strand). VCF-style: chr6-170283830-G-C. GRCh37 (hg19) VCF-style: chr6-170592918-G-C.
Other names: short protein forms S483R.
Identifiers: ClinVar variation 4726072 (VCV004726072.1).